The following is an entry in ClinVar:

NM_000257.4(MYH7):c.3092T>C (p.Val1031Ala)

Gene: MYH7 (myosin heavy chain 7; minus strand). Cytogenetic location: 14q11.2.
Variant type: single nucleotide variant.
Coding change: c.3092T>C on transcript NM_000257.4 (MANE Select); coding-DNA position 3092, T replaced by C.
Protein change: p.Val1031Ala; replaces valine 1031 with alanine.
Molecular consequence: missense variant.
Genome position (GRCh38, 1-based): chr14:23,423,554, A>G on the plus strand (T>C on the coding strand, the complement: MYH7 is on the minus strand). VCF-style: chr14-23423554-A-G. GRCh37 (hg19) VCF-style: chr14-23892763-A-G.
Other names: short protein forms V1031A.
Identifiers: ClinVar variation 859822 (VCV000859822.10), dbSNP rs1892568655, ClinGen allele CA389045641.
Genomic context (GRCh38, chr14:23,423,554, plus strand): 5'-TGGGCACAGATAGACATGGCATATCTAGGCCCCACAACTCTCAATCTACTCACATCATCC[A>G]CTTGCTGCTCCAGCTTGACTTTGGCCTTAGTCAGGGTGTTGACCTTGTCCTCCTCGGCCT-3'
Protein context (NP_000248.2, residues 1021-1041): TKAKVKLEQQ[Val1031Ala]DDLEGSLEQE

ClinVar aggregate classification (germline): Uncertain significance. Review status: criteria provided, multiple submitters, no conflicts (2 of 4 stars). 2 submissions from 2 submitters: Uncertain significance (2). Last evaluated 2026-01-14.

Conditions:
Hypertrophic cardiomyopathy. Also called: HYPERTROPHIC MYOCARDIOPATHY. Identifiers: Orphanet 217569, MedGen C0007194, MeSH D002312, MONDO:0005045, HP:0001639.
Cardiovascular phenotype. Identifiers: MedGen CN230736.

Allele frequency attached by ClinVar (database versions not stated): gnomAD exomes below 0.00001.

Submissions (2):

Ambry Genetics
Classification: Uncertain significance for Cardiovascular phenotype. Last evaluated: 2026-01-14. Review status: criteria provided, single submitter. Criteria: Ambry Variant Classification Scheme 2023. Collection method: clinical testing. Allele origin: germline.

Labcorp Genetics (formerly Invitae), Labcorp
Classification: Uncertain significance for Hypertrophic cardiomyopathy. Last evaluated: 2022-01-16. Review status: criteria provided, single submitter. Criteria: Invitae Variant Classification Sherloc (09022015). Collection method: clinical testing. Allele origin: germline.
Comment: This sequence change replaces valine, which is neutral and non-polar, with alanine, which is neutral and non-polar, at codon 1031 of the MYH7 protein (p.Val1031Ala). In summary, the available evidence is currently insufficient to determine the role of this variant in disease. Therefore, it has been classified as a Variant of Uncertain Significance. Algorithms developed to predict the effect of missense changes on protein structure and function are either unavailable or do not agree on the potential impact of this missense change (SIFT: "Deleterious"; PolyPhen-2: "Benign"; Align-GVGD: "Class C0"). ClinVar contains an entry for this variant (Variation ID: 859822). This variant has not been reported in the literature in individuals affected with MYH7-related conditions. This variant is not present in population databases (gnomAD no frequency).